The following is an entry in ClinVar:

NM_002470.4(MYH3):c.1081G>T (p.Gly361Trp)

Gene: MYH3 (myosin heavy chain 3; minus strand). Cytogenetic location: 17p13.1.
Variant type: single nucleotide variant.
Coding change: c.1081G>T on transcript NM_002470.4 (MANE Select); coding-DNA position 1081, G replaced by T.
Protein change: p.Gly361Trp; replaces glycine 361 with tryptophan.
Molecular consequence: missense variant.
Genome position (GRCh38, 1-based): chr17:10,645,767, C>A on the plus strand (G>T on the coding strand, the complement: MYH3 is on the minus strand). VCF-style: chr17-10645767-C-A. GRCh37 (hg19) VCF-style: chr17-10549084-C-A.
Other names: short protein forms G361W.
Identifiers: ClinVar variation 1395439 (VCV001395439.8), dbSNP rs1231980615, ClinGen allele CA398176266.

ClinVar aggregate classification (germline): Uncertain significance (1 of 4 stars; one submission).

Submission:

Labcorp Genetics (formerly Invitae), Labcorp
Classification: Uncertain significance. Last evaluated: 2021-07-09. Review status: criteria provided, single submitter. Criteria: Invitae Variant Classification Sherloc (09022015). Collection method: clinical testing. Allele origin: germline.
Comment: In summary, the available evidence is currently insufficient to determine the role of this variant in disease. Therefore, it has been classified as a Variant of Uncertain Significance. Advanced modeling of protein sequence and biophysical properties (such as structural, functional, and spatial information, amino acid conservation, physicochemical variation, residue mobility, and thermodynamic stability) performed at Invitae indicates that this missense variant is expected to disrupt MYH3 protein function. This sequence change replaces glycine with tryptophan at codon 361 of the MYH3 protein (p.Gly361Trp). The glycine residue is highly conserved and there is a large physicochemical difference between glycine and tryptophan. This variant is not present in population databases (ExAC no frequency). This variant has not been reported in the literature in individuals with MYH3-related conditions.